The following is an entry in ClinVar:

NM_000465.4(BARD1):c.1395+1G>A

Gene: BARD1 (BRCA1 associated RING domain 1; minus strand). Cytogenetic location: 2q35.
Variant type: single nucleotide variant.
Coding change: c.1395+1G>A on transcript NM_000465.4 (MANE Select); the canonical splice donor site of the intron after coding-DNA position 1395, G replaced by A.
Molecular consequence: splice donor variant. On other transcripts: intron variant (3).
Genome position (GRCh38, 1-based): chr2:214,769,231, C>T on the plus strand (G>A on the coding strand, the complement: BARD1 is on the minus strand). VCF-style: chr2-214769231-C-T. GRCh37 (hg19) VCF-style: chr2-215633955-C-T.
Other names: c.159-16676G>A (NM_001282548.2); c.1338+1G>A (NM_001282543.2); c.216-16676G>A (NM_001282545.2); c.364+23066G>A (NM_001282549.2).
Identifiers: ClinVar variation 4196187 (VCV004196187.1).

ClinVar aggregate classification (germline): Uncertain significance (1 of 4 stars; one submission).

Conditions:
Hereditary cancer-predisposing syndrome. Also called: Neoplastic Syndromes, Hereditary; Tumor predisposition; Hereditary Cancer Syndrome; Hereditary neoplastic syndrome. Identifiers: Orphanet 140162, MedGen C0027672, MeSH D009386, MONDO:0015356.

Submission:

Ambry Genetics
Classification: Uncertain significance for Hereditary cancer-predisposing syndrome. Last evaluated: 2025-08-12. Review status: criteria provided, single submitter. Criteria: Ambry Variant Classification Scheme 2023. Collection method: clinical testing. Allele origin: germline.
Comment: The c.1395+1G>A intronic variant results from a G to A substitution one nucleotide after coding exon 5 of the BARD1 gene. This nucleotide position is highly conserved in available vertebrate species. In silico splice site analysis predicts that this alteration will weaken the native splice donor site and may result in the creation or strengthening of a novel splice donor site. RNA studies have demonstrated that this alteration results in a transcript predicted to lead to a protein with an in-frame insertion of 2 amino acid(s); however, the exact functional impact of the inserted amino acid(s) is unknown at this time (Ambry internal data). Based on the available evidence, the clinical significance of this variant remains unclear.